The following is an entry in ClinVar:

NM_000169.3(GLA):c.947T>A (p.Val316Glu)

Genes: GLA (galactosidase alpha; minus strand), RPL36A-HNRNPH2 (RPL36A-HNRNPH2 readthrough; plus strand). Cytogenetic location: Xq22.1.
Variant type: single nucleotide variant.
Coding change: c.947T>A on transcript NM_000169.3 (MANE Select); coding-DNA position 947, T replaced by A.
Protein change: p.Val316Glu; replaces valine 316 with glutamic acid.
Molecular consequence: missense variant. On other transcripts: non-coding transcript variant (3), intron variant (2).
Genome position (GRCh38, 1-based): chrX:101,398,422, A>T on the plus strand (T>A on the coding strand, the complement: GLA is on the minus strand). VCF-style: chrX-101398422-A-T. GRCh37 (hg19) VCF-style: chrX-100653410-A-T.
Other names: c.1070T>A, p.Val357Glu (NM_001406747.1); c.947T>A, p.Val316Glu (NM_001406748.1); c.300+2965A>T (NM_001199973.2); c.177+6600A>T (NM_001199974.2); short protein forms V316E, V357E.
Identifiers: ClinVar variation 4087595 (VCV004087595.2).

ClinVar aggregate classification (germline): Likely pathogenic (1 of 4 stars; one submission).

Conditions:
Fabry disease. Also called: ALPHA-GALACTOSIDASE A DEFICIENCY; ANDERSON-FABRY DISEASE; CERAMIDE TRIHEXOSIDASE DEFICIENCY; GLA DEFICIENCY; HEREDITARY DYSTOPIC LIPIDOSIS; Angiokeratoma corporis diffusum. Identifiers: Orphanet 324, MedGen C0002986, MONDO:0010526, OMIM 301500, HP:0001071. Disease mechanism: Fabry disease is due to inactivating mutations in the X-linked GLA gene resulting in deficiency of the enzyme Alpha Galactosidase-A., loss of function.

Submission:

Genomenon, Inc
Classification: Likely pathogenic for Fabry disease. Last evaluated: 2026-09-08. Review status: criteria provided, single submitter. Criteria: Genomenon Sequence Variant Interpretation Standards - Updated. Collection method: curation. Allele origin: germline. Affected: yes.
Comment: GLA p.Val316Glu (c.947T>A) is a missense variant that changes the amino acid at codon 316 from Valine to Glutamic acid. This variant has been observed in at least one proband with clinical features consistent with Fabry disease (PMID:17160618;8069316;29853467). At least one functional study has demonstrated a substantial alteration in protein function relative to the wild-type (PMID:21598360;27657681). It is absent or not present at a significant frequency in gnomAD. In silico models predict that this variant is possibly or probably damaging. In conclusion, we classify GLA p.Val316Glu (c.947T>A) as a likely pathogenic variant.

Literature cited by the submitters: PubMed 17160618; PubMed 8069316; PubMed 29853467; PubMed 21598360; PubMed 27657681.